The following is an entry in ClinVar:

ClinVar aggregate classification (germline): Uncertain significance (1 of 4 stars; one submission).

Conditions:
Hereditary cancer-predisposing syndrome. Also called: Neoplastic Syndromes, Hereditary; Tumor predisposition; Hereditary Cancer Syndrome; Hereditary neoplastic syndrome. Identifiers: Orphanet 140162, MedGen C0027672, MeSH D009386, MONDO:0015356.

Submission:

Ambry Genetics
Classification: Uncertain significance for Hereditary cancer-predisposing syndrome. Last evaluated: 2025-03-25. Review status: criteria provided, single submitter. Criteria: Ambry Variant Classification Scheme 2023. Collection method: clinical testing. Allele origin: germline.
Comment: The p.D134E variant (also known as c.402C>A), located in coding exon 4 of the PALB2 gene, results from a C to A substitution at nucleotide position 402. The aspartic acid at codon 134 is replaced by glutamic acid, an amino acid with highly similar properties. This amino acid position is conserved. In addition, this alteration is predicted to be tolerated by in silico analysis. Since supporting evidence is limited at this time, the clinical significance of this alteration remains unclear.

NM_024675.4(PALB2):c.402C>A (p.Asp134Glu)

Gene: PALB2 (partner and localizer of BRCA2; minus strand). Cytogenetic location: 16p12.2.
Variant type: single nucleotide variant.
Coding change: c.402C>A on transcript NM_024675.4 (MANE Select); coding-DNA position 402, C replaced by A.
Protein change: p.Asp134Glu; replaces aspartic acid 134 with glutamic acid.
Molecular consequence: missense variant.
Genome position (GRCh38, 1-based): chr16:23,636,144, G>T on the plus strand (C>A on the coding strand, the complement: PALB2 is on the minus strand). VCF-style: chr16-23636144-G-T. GRCh37 (hg19) VCF-style: chr16-23647465-G-T.
Other names: c.342C>A, p.Asp114Glu (NM_001407296.1); c.402C>A, p.Asp134Glu (NM_001407297.1, NM_001407298.1, NM_001407299.1 and 3 more transcripts); c.-484C>A (NM_001407304.1, NM_001407305.1, NM_001407306.1 and 5 more transcripts); short protein forms D134E, D114E.
Identifiers: ClinVar variation 1737172 (VCV001737172.3), dbSNP rs1967049086, ClinGen allele CA395137400.